The following is an entry in ClinVar:

ClinVar aggregate classification (germline): Benign/Likely benign. Review status: criteria provided, multiple submitters, no conflicts (2 of 4 stars). 3 submissions from 3 submitters: Benign (1); Likely benign (2). Last evaluated 2024-08-22.

Conditions:
Hereditary cancer-predisposing syndrome. Also called: Neoplastic Syndromes, Hereditary; Tumor predisposition; Hereditary neoplastic syndrome; Hereditary Cancer Syndrome. Identifiers: Orphanet 140162, MedGen C0027672, MeSH D009386, MONDO:0015356.
Familial cancer of breast. Also called: BREAST CANCER, FAMILIAL; Hereditary breast cancer; hereditary breast carcinoma. Identifiers: Orphanet 227535, MedGen C0346153, MONDO:0016419, OMIM 114480. Disease mechanism: loss of function.
Fanconi anemia complementation group J. Also called: BRIP1-Related Fanconi Anemia. Identifiers: Orphanet 84, MedGen C1836860, MONDO:0012187, OMIM 609054.

Submissions (3):

Myriad Genetics, Inc.
Classification: Benign for Familial cancer of breast. Last evaluated: 2024-08-22. Review status: criteria provided, single submitter. Criteria: Myriad Autosomal Dominant, Autosomal Recessive and X-Linked Classification Criteria (2023). Collection method: clinical testing. Allele origin: unknown.
Comment: This variant is considered benign. This variant is a silent/synonymous amino acid change and it is not expected to impact splicing.

Labcorp Genetics (formerly Invitae), Labcorp
Classification: Likely benign for Familial cancer of breast; Fanconi anemia complementation group J. Last evaluated: 2023-08-04. Review status: criteria provided, single submitter. Criteria: Invitae Variant Classification Sherloc (09022015). Collection method: clinical testing. Allele origin: germline.

Ambry Genetics
Classification: Likely benign for Hereditary cancer-predisposing syndrome. Last evaluated: 2021-01-16. Review status: criteria provided, single submitter. Criteria: Ambry Variant Classification Scheme 2023. Collection method: clinical testing. Allele origin: germline.

NM_032043.3(BRIP1):c.855T>C (p.His285=)

Gene: BRIP1 (BRCA1 interacting DNA helicase 1; minus strand). Cytogenetic location: 17q23.2.
Variant type: single nucleotide variant.
Coding change: c.855T>C on transcript NM_032043.3 (MANE Select); coding-DNA position 855, T replaced by C.
Protein change: p.His285=; no amino-acid change (histidine 285 retained).
Molecular consequence: synonymous variant.
Genome position (GRCh38, 1-based): chr17:61,808,530, A>G on the plus strand (T>C on the coding strand, the complement: BRIP1 is on the minus strand). VCF-style: chr17-61808530-A-G. GRCh37 (hg19) VCF-style: chr17-59885891-A-G.
Identifiers: ClinVar variation 1763867 (VCV001763867.8), dbSNP rs2145413503, ClinGen allele CA501335399.
Genomic context (GRCh38, chr17:61,808,530, plus strand): 5'-TTTCCCATCTAGCAATTCCATGCACTTCTCATTTCTGTTGAAGTTACCGACTACCTCAGG[A>G]TGGACACAAGTATGATCCCTGCTGGAAAGAATAGTCATTGGAACCCCTGAATATGCCGTC-3'
Protein context (NP_114432.2, residues 275-295): ILSSRDHTCV[His285=]PEVVGNFNRN